The following is an entry in ClinVar:

ClinVar aggregate classification (germline): Conflicting classifications of pathogenicity. Review status: criteria provided, conflicting classifications (1 of 4 stars). 6 submissions from 6 submitters: Uncertain significance (5); Likely benign (1). Last evaluated 2025-12-03.
ClinVar aggregate classification (somatic clinical impact): Tier I - Strong (1 of 4 stars; one submission).

Conditions:
Global developmental delay - lung cysts - overgrowth - Wilms tumor syndrome. Also called: GLOW Syndrome; GLOBAL DEVELOPMENTAL DELAY, LUNG CYSTS, OVERGROWTH, AND WILMS TUMOR. Identifiers: Orphanet 404476, MedGen C4748924, MONDO:0018445, OMIM 618272.
DICER1-related disorder. Also called: DICER1-related condition.
Hereditary cancer-predisposing syndrome. Also called: Neoplastic Syndromes, Hereditary; Hereditary neoplastic syndrome; Hereditary Cancer Syndrome; Tumor predisposition. Identifiers: Orphanet 140162, MedGen C0027672, MeSH D009386, MONDO:0015356.
DICER1-related tumor predisposition. Also called: DICER1 syndrome; DICER1-related pleuropulmonary blastoma cancer predisposition syndrome. Identifiers: Orphanet 284343, MedGen C3839822, MONDO:0100216.
Embryonal rhabdomyosarcoma (ERMS). Also called: Botryoid rhabdomyosarcoma (type of ERMS); Spindle cell rhabdomyosarcomas (type of ERMS). Identifiers: Orphanet 99757, MedGen C0206656, MONDO:0009993, HP:0006743.

Allele frequency attached by ClinVar (database versions not stated): gnomAD 0.00001; ExAC 0.00002; gnomAD exomes 0.00002; TOPMed 0.00003.
gnomAD v4.1: 23 of 1,515,090 alleles (0.0015%); highest among the groups gnomAD compares: South Asian, 0.0034%; no homozygotes.

Submissions (7):

Labcorp Genetics (formerly Invitae), Labcorp
Classification: Likely benign for DICER1-related tumor predisposition. Last evaluated: 2025-12-03. Review status: criteria provided, single submitter. Criteria: Invitae Variant Classification Sherloc (09022015). Collection method: clinical testing. Allele origin: germline.

PreventionGenetics, part of Exact Sciences
Classification: Uncertain significance for DICER1-related condition. Last evaluated: 2025-07-07. Review status: criteria provided, single submitter. Criteria: ACMG Guidelines, 2015. Collection method: clinical testing. Allele origin: germline.
Comment: The DICER1 c.896C>T variant is predicted to result in the amino acid substitution p.Ser299Leu. To our knowledge, this variant has not been reported in the literature. This variant is reported in 0.0044% of alleles in individuals of European (Non-Finnish) descent in gnomAD. This variant has interpretations of uncertain significance and likely benign in ClinVar. At this time, the clinical significance of this variant is uncertain due to the absence of conclusive functional and genetic evidence.

Institute for Genomic Medicine (IGM) Clinical Laboratory, Nationwide Children's Hospital
Classification: Tier I - Strong for Embryonal rhabdomyosarcoma. Assertion type: diagnostic. Clinical significance: supports diagnosis. Last evaluated: 2025-05-21. Review status: criteria provided, single submitter. Criteria: AMP/ASCO/CAP Guidelines, 2017. Collection method: clinical testing. Allele origin: somatic. Affected: yes.
Comment: Variant has Tier I (strong) clinical significance as a diagnostic inclusion criterion in embryonal rhabdomyosarcoma, based on the following evidence: 1) Documented in one or more cancer databases (e.g., St. Jude Pecan, COSMIC, CIViC, OncoKB). 2) Appears in one or more well-established professional guidelines (e.g., World Health Organization [WHO]; National Comprehensive Cancer Network [NCCN]) as providing diagnostic, prognostic, or therapeutic information. 3) Diagnostic for a specific tumor type/classification based on well-powered studies with expert-level consensus (Evidence Level B; PMIDs: 34166060, 31900434, 26461232, 30266945, 33846547, 33135284).

Quest Diagnostics Nichols Institute San Juan Capistrano
Classification: Uncertain significance. Last evaluated: 2025-02-17. Review status: criteria provided, single submitter. Criteria: Quest Diagnostics criteria. Collection method: clinical testing. Allele origin: unknown.
Comment: The DICER1 c.896C>T (p.Ser299Leu) variant has not been reported in individuals with DICER1-related conditions in the published literature. The frequency of this variant in the general population (Genome Aggregation Database) is uninformative in the assessment of its pathogenicity. Analysis of this variant using bioinformatics tools for the prediction of the effect of amino acid changes on protein structure and function yielded conflicting predictions that this variant is benign or damaging. Based on the available information, we are unable to determine the clinical significance of this variant.

GeneDx
Classification: Uncertain significance. Last evaluated: 2024-10-29. Review status: criteria provided, single submitter. Criteria: GeneDx Variant Classification Process June 2021. Collection method: clinical testing. Allele origin: germline.
Comment: In silico analysis indicates that this missense variant does not alter protein structure/function; Has not been previously published as pathogenic or benign to our knowledge; This variant is associated with the following publications: (PMID: 29604063, 26818556, 31925297)

Ambry Genetics
Classification: Uncertain significance for Hereditary cancer-predisposing syndrome. Last evaluated: 2024-09-16. Review status: criteria provided, single submitter. Criteria: Ambry Variant Classification Scheme 2023. Collection method: clinical testing. Allele origin: germline.
Comment: The p.S299L variant (also known as c.896C>T), located in coding exon 6 of the DICER1 gene, results from a C to T substitution at nucleotide position 896. The serine at codon 299 is replaced by leucine, an amino acid with dissimilar properties. This amino acid position is highly conserved in available vertebrate species. In addition, this alteration is predicted to be deleterious by in silico analysis. Based on the available evidence, the clinical significance of this variant remains unclear.

Baylor Genetics
Classification: Uncertain significance for Global developmental delay - lung cysts - overgrowth - Wilms tumor syndrome. Last evaluated: 2024-02-18. Review status: criteria provided, single submitter. Criteria: ACMG Guidelines, 2015. Collection method: clinical testing. Allele origin: unknown.

Literature cited by the submitters: PubMed 34166060 (cited by Institute for Genomic Medicine (IGM) Clinical Laboratory, Nationwide Children's Hospital); PubMed 31900434 (cited by Institute for Genomic Medicine (IGM) Clinical Laboratory, Nationwide Children's Hospital); PubMed 26461232 (cited by Institute for Genomic Medicine (IGM) Clinical Laboratory, Nationwide Children's Hospital); PubMed 30266945 (cited by Institute for Genomic Medicine (IGM) Clinical Laboratory, Nationwide Children's Hospital); PubMed 33846547 (cited by Institute for Genomic Medicine (IGM) Clinical Laboratory, Nationwide Children's Hospital); PubMed 33135284 (cited by Institute for Genomic Medicine (IGM) Clinical Laboratory, Nationwide Children's Hospital).

NM_177438.3(DICER1):c.896C>T (p.Ser299Leu)

Gene: DICER1 (dicer 1, ribonuclease III; minus strand). Cytogenetic location: 14q32.13.
Variant type: single nucleotide variant.
Coding change: c.896C>T on transcript NM_177438.3 (MANE Select); coding-DNA position 896, C replaced by T.
Protein change: p.Ser299Leu; replaces serine 299 with leucine.
Molecular consequence: missense variant.
Genome position (GRCh38, 1-based): chr14:95,126,587, G>A on the plus strand (C>T on the coding strand, the complement: DICER1 is on the minus strand). VCF-style: chr14-95126587-G-A. GRCh37 (hg19) VCF-style: chr14-95592924-G-A.
Other names: c.896C>T, p.Ser299Leu (NM_001195573.1, NM_001271282.3, NM_001291628.2 and 1 more transcripts); short protein forms S299L.
Identifiers: ClinVar variation 242152 (VCV000242152.23), dbSNP rs755944755, ClinGen allele CA7331561.